The following is an entry in ClinVar:

ClinVar aggregate classification (germline): Uncertain significance (1 of 4 stars; one submission).

Submission:

Labcorp Genetics (formerly Invitae), Labcorp
Classification: Uncertain significance. Last evaluated: 2019-07-25. Review status: criteria provided, single submitter. Criteria: Invitae Variant Classification Sherloc (09022015). Collection method: clinical testing. Allele origin: germline.
Comment: This variant results in a copy number gain of the genomic region encompassing exons 12-50 of the ABCA4 gene. The 5' boundary is likely confined to intron 11. The 3' end of this event is unknown as it extends beyond the assayed region for this gene and therefore may encompass additional genes. As the precise location of this event is unknown, it may be in tandem or it may be located elsewhere in the genome. This variant has not been reported in the literature in individuals with ABCA4-related conditions. In summary, the available evidence is currently insufficient to determine the role of this variant in disease. Therefore, it has been classified as a Variant of Uncertain Significance.

NC_000001.11:g.(?_93909038)_(94063317_?)dup

Genes: ABCA4 (ATP binding cassette subfamily A member 4; minus strand), GCLM (glutamate-cysteine ligase modifier subunit; minus strand). Cytogenetic location: 1p22.1.
Variant type: Duplication.
Identifiers: ClinVar variation 832390 (VCV000832390.1).